The following is an entry in ClinVar:

NM_000256.3(MYBPC3):c.1227-1G>A

Gene: MYBPC3 (myosin binding protein C3; minus strand). Cytogenetic location: 11p11.2.
Variant type: single nucleotide variant.
Coding change: c.1227-1G>A on transcript NM_000256.3 (MANE Select); the canonical splice acceptor site of the intron before coding-DNA position 1227, G replaced by A.
Molecular consequence: splice acceptor variant.
Genome position (GRCh38, 1-based): chr11:47,343,146, C>T on the plus strand (G>A on the coding strand, the complement: MYBPC3 is on the minus strand). VCF-style: chr11-47343146-C-T. GRCh37 (hg19) VCF-style: chr11-47364697-C-T.
Identifiers: ClinVar variation 2911821 (VCV002911821.3), dbSNP rs113276889, ClinGen allele CA221697022.

ClinVar aggregate classification (germline): Likely pathogenic (1 of 4 stars; one submission).

Conditions:
Hypertrophic cardiomyopathy. Also called: HYPERTROPHIC MYOCARDIOPATHY. Identifiers: Orphanet 217569, MedGen C0007194, MeSH D002312, MONDO:0005045, HP:0001639.

Submission:

Labcorp Genetics (formerly Invitae), Labcorp
Classification: Likely pathogenic for Hypertrophic cardiomyopathy. Last evaluated: 2022-11-22. Review status: criteria provided, single submitter. Criteria: Invitae Variant Classification Sherloc (09022015). Collection method: clinical testing. Allele origin: germline.
Comment: In summary, the currently available evidence indicates that the variant is pathogenic, but additional data are needed to prove that conclusively. Therefore, this variant has been classified as Likely Pathogenic. Algorithms developed to predict the effect of sequence changes on RNA splicing suggest that this variant may disrupt the consensus splice site. Disruption of this splice site has been observed in individual(s) with hypertrophic cardiomyopathy (PMID: 31513939, 32841044). This variant is not present in population databases (gnomAD no frequency). This sequence change affects an acceptor splice site in intron 14 of the MYBPC3 gene. It is expected to disrupt RNA splicing. Variants that disrupt the donor or acceptor splice site typically lead to a loss of protein function (PMID: 16199547), and loss-of-function variants in MYBPC3 are known to be pathogenic (PMID: 19574547).

Literature cited by the submitters: PubMed 31513939; PubMed 32841044; PubMed 16199547; PubMed 19574547.